The following is an entry in ClinVar:

ClinVar aggregate classification (germline): Uncertain significance (1 of 4 stars; one submission).

Submission:

GeneDx
Classification: Uncertain significance. Last evaluated: 2024-11-12. Review status: criteria provided, single submitter. Criteria: GeneDx Variant Classification Process June 2021. Collection method: clinical testing. Allele origin: germline. Affected: yes.
Comment: Not observed at significant frequency in large population cohorts (gnomAD); In-frame deletion of 1 amino acid(s) in a non-repeat region; In silico analysis supports a deleterious effect on protein structure/function; Has not been previously published as pathogenic or benign to our knowledge

NM_001085458.2(CTNND1):c.1352_1354del (p.Asp451del)

Genes: CTNND1 (catenin delta 1; plus strand), TMX2-CTNND1 (TMX2-CTNND1 readthrough (NMD candidate); plus strand). Cytogenetic location: 11q12.1.
Variant type: Deletion.
Coding change: c.1352_1354del on transcript NM_001085458.2 (MANE Select); coding-DNA positions 1352 to 1354, 3 bases deleted (ATG; older notation c.1352_1354delATG).
Protein change: p.Asp451del; deletes aspartic acid 451.
Molecular consequence: inframe deletion. On other transcripts: non-coding transcript variant (1).
Genome position (GRCh38, 1-based): chr11:57,802,128-57,802,130, ATG deleted; deleting any 3 consecutive bases within chr11:57,802,126-57,802,130 gives the same sequence; the c. name uses the placement nearest the transcript's 3' end. VCF-style (leftmost placement, unchanged base first): chr11-57802125-GTGA-G. GRCh37 (hg19) VCF-style: chr11-57569597-GTGA-G.
Other names: c.1049_1051del, p.Asp350del (NM_001085467.2, NM_001085468.2, NM_001085469.2 and 5 more transcripts); c.1190_1192del, p.Asp397del (NM_001206883.2, NM_001206884.2, NM_001206886.2 and 4 more transcripts); c.1352_1354del, p.Asp451del (NM_001206885.2, NM_001331.3, NM_001085459.2 and 3 more transcripts); short protein forms D350del, D397del, D451del.
Identifiers: ClinVar variation 3898837 (VCV003898837.1).
Genomic context (GRCh38, chr11:57,802,125, plus strand): 5'-GAGCTCTCAAGAATATCTCTTTTGGACGTGACCAGGATAACAAGATTGCCATAAAAAACT[GTGA>G]TGGTGTGCCTGCCCTTGTGCGATTGCTTCGAAAGGCTCGTGATATGGACCTTACTGAAGT-3'